The following is an entry in ClinVar:

NM_000187.4(HGD):c.131T>C (p.Leu44Pro)

Gene: HGD (homogentisate 1,2-dioxygenase; minus strand). Cytogenetic location: 3q13.33.
Variant type: single nucleotide variant.
Coding change: c.131T>C on transcript NM_000187.4 (MANE Select); coding-DNA position 131, T replaced by C.
Protein change: p.Leu44Pro; replaces leucine 44 with proline.
Molecular consequence: missense variant.
Genome position (GRCh38, 1-based): chr3:120,674,946, A>G on the plus strand (T>C on the coding strand, the complement: HGD is on the minus strand). VCF-style: chr3-120674946-A-G. GRCh37 (hg19) VCF-style: chr3-120393793-A-G.
Other names: short protein forms L44P.
Identifiers: ClinVar variation 929479 (VCV000929479.2), dbSNP rs1708095030, ClinGen allele CA354082067.

ClinVar aggregate classification (germline): Likely pathogenic. Review status: criteria provided, single submitter (1 of 4 stars). 2 submissions from 2 submitters: Likely pathogenic (1). 1 of the submissions does not count toward it. Last evaluated 2020-03-03.

Conditions:
Alkaptonuria (AKU). Also called: Homogentisic acidura; Alkaptonuric ochronosis; Alcaptonuria; HOMOGENTISIC ACID OXIDASE DEFICIENCY. Identifiers: Orphanet 56, MedGen C0002066, MONDO:0008753, OMIM 203500.

Submissions (2):

Laboratory of Inherited Metabolic Diseases, Research centre for medical genetics
Classification: Likely pathogenic for Alkaptonuria. Last evaluated: 2020-03-03. Review status: criteria provided, single submitter. Criteria: ACMG Guidelines, 2015. Collection method: clinical testing. Allele origin: germline. Inheritance: Autosomal recessive inheritance. Affected: yes. Observed: 1 variant allele.
Comment: Severe damage of the musculoskeletal system

Department Of Human Genetics, Institute Of Clinical And Translational Research, Biomedical Research Center, Slovak Academy Of Sciences
Classification: Pathogenic for Alkaptonuria. Review status: no assertion criteria provided. Collection method: research. Allele origin: germline. Inheritance: Autosomal recessive inheritance. Affected: yes. Observed: 3 variant alleles. Not counted in ClinVar's aggregate classification.
Comment: The variant was originally described in AKU patient in PMID:34504318 and PMID:33621656. It has been submitted to the HGD gene mutation database (DB-ID: AKU_00226).

Literature cited by the submitters: PubMed 34504318 (cited by Department Of Human Genetics, Institute Of Clinical And Translational Research, Biomedical Research Center, Slovak Academy Of Sciences); PubMed 33621656 (cited by Department Of Human Genetics, Institute Of Clinical And Translational Research, Biomedical Research Center, Slovak Academy Of Sciences).